The following is an entry in ClinVar:

ClinVar aggregate classification (germline): Pathogenic/Likely pathogenic. Review status: criteria provided, multiple submitters, no conflicts (2 of 4 stars). 3 submissions from 3 submitters: Pathogenic (1); Likely pathogenic (1). 1 of the submissions does not count toward it. Last evaluated 2023-05-05.

Conditions:
YY1AP1-related disorder. Also called: YY1AP1-related condition.
Grange syndrome (GRNG). Also called: GRANGE OCCLUSIVE ARTERIAL SYNDROME. Identifiers: Orphanet 79094, MedGen C1865267, MONDO:0011243, OMIM 602531.

Allele frequency attached by ClinVar (database versions not stated): gnomAD 0.00001; gnomAD exomes 0.00001; TOPMed 0.00001.

Submissions (3):

PreventionGenetics, part of Exact Sciences
Classification: Likely pathogenic for YY1AP1-related condition. Last evaluated: 2023-05-05. Review status: criteria provided, single submitter. Criteria: ACMG Guidelines, 2015. Collection method: clinical testing. Allele origin: germline.
Comment: The YY1AP1 c.664C>T variant is predicted to result in premature protein termination (p.Gln222*). This variant was reported in the homozygous state in a patient with features of Grange syndrome (Guo et al 2017. PubMed ID: 27939641). This variant has not been reported in a large population database, indicating this variant is rare. Nonsense variants in YY1AP1 are expected to be pathogenic. This variant is interpreted as likely pathogenic.

Institute of Human Genetics Munich, TUM University Hospital
Classification: Pathogenic for Grange syndrome. Last evaluated: 2020-01-20. Review status: criteria provided, single submitter. Criteria: Classification criteria August 2017. Collection method: clinical testing. Allele origin: paternal. Inheritance: Autosomal recessive inheritance. Affected: yes. Observed: 1 compound heterozygote.

OMIM
Classification: Pathogenic for GRANGE SYNDROME. Last evaluated: 2017-02-14. Review status: no assertion criteria provided. Collection method: literature only. Allele origin: germline. Not counted in ClinVar's aggregate classification.

Literature cited by the submitters: PubMed 27939641 (cited by OMIM).

NM_139119.3(YY1AP1):c.250C>T (p.Gln84Ter)

Gene: YY1AP1 (YY1 associated protein 1; minus strand). Cytogenetic location: 1q22.
Variant type: single nucleotide variant.
Coding change: c.250C>T on transcript NM_139119.3 (MANE Select); coding-DNA position 250, C replaced by T.
Protein change: p.Gln84Ter; replaces glutamine 84 with a stop codon.
Molecular consequence: nonsense.
Genome position (GRCh38, 1-based): chr1:155,676,622, G>A on the plus strand (C>T on the coding strand, the complement: YY1AP1 is on the minus strand). VCF-style: chr1-155676622-G-A. GRCh37 (hg19) VCF-style: chr1-155646413-G-A.
Other names: c.217C>T, p.Gln73Ter (NM_001198899.2, NM_001198900.2, NM_018253.4); c.250C>T, p.Gln84Ter (NM_001198901.2, NM_001198902.2, NM_001198905.2); c.664C>T, p.Gln222Ter (NM_001198903.1, NM_001198904.1); c.448C>T, p.Gln150Ter (NM_001198906.2, NM_139118.3); c.52C>T, p.Gln18Ter (NM_139121.3); short protein forms Q222*, Q84*, Q150*, Q18*, Q73*.
Identifiers: ClinVar variation 375642 (VCV000375642.7), dbSNP rs1057519599, ClinGen allele CA16044407.
Genomic context (GRCh38, chr1:155,676,622, plus strand): 5'-GCTGGAGTCTCTTCCTTTGTGCTGGGTCCAGAATCAGGGTCTGATGAACTTCCTTACACT[G>A]GGGTTTAACCTTCTCTACCTCCTTCTGCTGTTTGGCTGAAGGTTTCTTCATCTTCAGCTG-3'